The following is an entry in ClinVar:

ClinVar aggregate classification (germline): Uncertain significance (1 of 4 stars; one submission).

Conditions:
Trichorhinophalangeal syndrome, type III (TRPS3). Also called: SUGIO-KAJII SYNDROME. Identifiers: Orphanet 77258, MedGen C1860823, OMIM 190351, MONDO:0008597.
Trichorhinophalangeal dysplasia type I (TRPS1). Also called: TRICHORHINOPHALANGEAL SYNDROME, TYPE I; TRPS I. Identifiers: Orphanet 77258, MedGen C0432233, MONDO:0008596, OMIM 190350.

Allele frequency attached by ClinVar (database versions not stated): gnomAD exomes below 0.00001; gnomAD 0.00001.
gnomAD v4.1: 12 of 1,614,082 alleles (0.00074%); highest among the groups gnomAD compares: Middle Eastern, 0.033%; no homozygotes.

Submission:

Labcorp Genetics (formerly Invitae), Labcorp
Classification: Uncertain significance for Trichorhinophalangeal syndrome, type III; Trichorhinophalangeal dysplasia type I. Last evaluated: 2024-03-04. Review status: criteria provided, single submitter. Criteria: Invitae Variant Classification Sherloc (09022015). Collection method: clinical testing. Allele origin: germline.
Comment: This sequence change replaces alanine, which is neutral and non-polar, with proline, which is neutral and non-polar, at codon 130 of the TRPS1 protein (p.Ala130Pro). This variant is present in population databases (no rsID available, gnomAD 0.0009%). This variant has not been reported in the literature in individuals affected with TRPS1-related conditions. ClinVar contains an entry for this variant (Variation ID: 1955649). Advanced modeling of protein sequence and biophysical properties (such as structural, functional, and spatial information, amino acid conservation, physicochemical variation, residue mobility, and thermodynamic stability) performed at Invitae indicates that this missense variant is not expected to disrupt TRPS1 protein function with a negative predictive value of 80%. In summary, the available evidence is currently insufficient to determine the role of this variant in disease. Therefore, it has been classified as a Variant of Uncertain Significance.

NM_014112.5(TRPS1):c.388G>C (p.Ala130Pro)

Gene: TRPS1 (transcriptional repressor GATA binding 1; minus strand). Cytogenetic location: 8q23.3.
Variant type: single nucleotide variant.
Coding change: c.388G>C on transcript NM_014112.5 (MANE Select); coding-DNA position 388, G replaced by C.
Protein change: p.Ala130Pro; replaces alanine 130 with proline.
Molecular consequence: missense variant.
Genome position (GRCh38, 1-based): chr8:115,619,710, C>G on the plus strand (G>C on the coding strand, the complement: TRPS1 is on the minus strand). VCF-style: chr8-115619710-C-G. GRCh37 (hg19) VCF-style: chr8-116631937-C-G.
Other names: c.361G>C, p.Ala121Pro (NM_001282902.3); c.367G>C, p.Ala123Pro (NM_001282903.3); c.349G>C, p.Ala117Pro (NM_001330599.2); short protein forms A130P, A117P, A121P, A123P.
Identifiers: ClinVar variation 1955649 (VCV001955649.5), dbSNP rs1410363433, ClinGen allele CA372069731.